The following is an entry in ClinVar:

NM_000268.4(NF2):c.1660_1661del (p.Arg554fs)

Gene: NF2 (NF2, moesin-ezrin-radixin like (MERLIN) tumor suppressor; plus strand). Cytogenetic location: 22q12.2.
Variant type: Microsatellite.
Coding change: c.1660_1661del on transcript NM_000268.4 (MANE Select); coding-DNA positions 1660 to 1661, 2 bases deleted (AG; older notation c.1660_1661delAG).
Protein change: p.Arg554fs; shifts the reading frame from arginine 554.
Molecular consequence: frameshift variant. On other transcripts: non-coding transcript variant (1), intron variant (1).
Genome position (GRCh38, 1-based): chr22:29,681,524-29,681,525, AG deleted; deleting any 2 consecutive bases within chr22:29,681,520-29,681,525 gives the same sequence; the c. name uses the placement nearest the transcript's 3' end. VCF-style (leftmost placement, unchanged base first): chr22-29681519-AAG-A. GRCh37 (hg19) VCF-style: chr22-30077508-AAG-A.
Other names: c.1660_1661delAG (NM_000268.3); c.1660_1661del, p.Arg554fs (NM_016418.5, NM_181825.3, NM_181832.3); c.1534_1535del, p.Arg512fs (NM_181828.3); c.1537_1538del, p.Arg513fs (NM_181829.3); c.1411_1412del, p.Arg471fs (NM_181830.3, NM_181831.3); c.448-13232AG[2] (NM_181833.3); short protein forms R554fs, R512fs, R513fs, R471fs.
Identifiers: ClinVar variation 649883 (VCV000649883.9), dbSNP rs1601666191, ClinGen allele CA915952875.

ClinVar aggregate classification (germline): Pathogenic (1 of 4 stars; one submission).

Conditions:
Neurofibromatosis, type 2 (SWNV). Also called: BILATERAL ACOUSTIC NEUROFIBROMATOSIS; SCHWANNOMATOSIS, VESTIBULAR; NF2-Related Schwannomatosis. Identifiers: Orphanet 637, MedGen C0027832, MONDO:0007039, OMIM 101000. Disease mechanism: loss of function.

Submission:

Labcorp Genetics (formerly Invitae), Labcorp
Classification: Pathogenic for Neurofibromatosis, type 2. Last evaluated: 2022-10-28. Review status: criteria provided, single submitter. Criteria: Invitae Variant Classification Sherloc (09022015). Collection method: clinical testing. Allele origin: germline.
Comment: This variant has not been reported in the literature in individuals affected with NF2-related conditions. For these reasons, this variant has been classified as Pathogenic. Experimental studies and prediction algorithms are not available or were not evaluated, and the functional significance of this variant is currently unknown. ClinVar contains an entry for this variant (Variation ID: 649883). This variant is not present in population databases (gnomAD no frequency). This sequence change creates a premature translational stop signal (p.Arg554Glyfs*10) in the NF2 gene. It is expected to result in an absent or disrupted protein product. Loss-of-function variants in NF2 are known to be pathogenic (PMID: 9643284, 16983642).

Literature cited by the submitters: PubMed 9643284; PubMed 16983642.